The following is an entry in ClinVar:

ClinVar aggregate classification (germline): Uncertain significance (1 of 4 stars; one submission).

Conditions:
Emery-Dreifuss muscular dystrophy (EDMD). Also called: Scapuloperoneal syndrome, X-linked (formerly); Humeroperoneal neuromuscular disease, (formerly). Identifiers: Orphanet 261, MedGen C0410189, MONDO:0016830.

Allele frequency attached by ClinVar (database versions not stated): TOPMed below 0.00001; ExAC 0.00001; gnomAD 0.00001; gnomAD exomes 0.00001.
gnomAD v4.1: 10 of 1,613,064 alleles (0.00062%); highest among the groups gnomAD compares: South Asian, 0.0022%; no homozygotes.

Submission:

Labcorp Genetics (formerly Invitae), Labcorp
Classification: Uncertain significance for Emery-Dreifuss muscular dystrophy. Last evaluated: 2025-08-18. Review status: criteria provided, single submitter. Criteria: Invitae Variant Classification Sherloc (09022015). Collection method: clinical testing. Allele origin: germline.
Comment: This sequence change replaces arginine, which is basic and polar, with cysteine, which is neutral and slightly polar, at codon 472 of the SUN2 protein (p.Arg472Cys). This variant is present in population databases (rs763851940, gnomAD 0.002%). This variant has not been reported in the literature in individuals affected with SUN2-related conditions. ClinVar contains an entry for this variant (Variation ID: 2184597). An algorithm developed to predict the effect of missense changes on protein structure and function (PolyPhen-2) suggests that this variant is likely to be disruptive. In summary, the available evidence is currently insufficient to determine the role of this variant in disease. Therefore, it has been classified as a Variant of Uncertain Significance.

NM_015374.3(SUN2):c.1414C>T (p.Arg472Cys)

Genes: GTPBP1 (GTP binding protein 1; plus strand), SUN2 (Sad1 and UNC84 domain containing 2; minus strand). Cytogenetic location: 22q13.1.
Variant type: single nucleotide variant.
Coding change: c.1414C>T on transcript NM_015374.3 (MANE Select); coding-DNA position 1414, C replaced by T.
Protein change: p.Arg472Cys; replaces arginine 472 with cysteine.
Molecular consequence: missense variant.
Genome position (GRCh38, 1-based): chr22:38,739,886, G>A on the plus strand (C>T on the coding strand, the complement: SUN2 is on the minus strand). VCF-style: chr22-38739886-G-A. GRCh37 (hg19) VCF-style: chr22-39135891-G-A.
Other names: c.1477C>T, p.Arg493Cys (NM_001199579.2, NM_001394428.1); c.1414C>T, p.Arg472Cys (NM_001199580.2, NM_001394431.1, NM_001394432.1 and 5 more transcripts); c.1507C>T, p.Arg503Cys (NM_001394427.1); c.1459C>T, p.Arg487Cys (NM_001394429.1, NM_001394430.1); c.1324C>T, p.Arg442Cys (NM_001394438.1); c.1276C>T, p.Arg426Cys (NM_001394439.1, NM_001394440.1, NM_001394441.1); c.1015C>T, p.Arg339Cys (NM_001394442.1); c.922C>T, p.Arg308Cys (NM_001394443.1); and 1 more; short protein forms R280C, R472C, R426C, R442C, R487C, R503C, R308C, R339C.
Identifiers: ClinVar variation 2184597 (VCV002184597.4), dbSNP rs763851940, ClinGen allele CA10235554.